The following is an entry in ClinVar:

ClinVar aggregate classification (germline): Uncertain significance. Review status: criteria provided, multiple submitters, no conflicts (2 of 4 stars). 2 submissions from 2 submitters: Uncertain significance (2). Last evaluated 2024-09-16.

Conditions:
Hereditary cancer-predisposing syndrome. Also called: Neoplastic Syndromes, Hereditary; Tumor predisposition; Hereditary neoplastic syndrome; Hereditary Cancer Syndrome. Identifiers: Orphanet 140162, MedGen C0027672, MeSH D009386, MONDO:0015356.
Cardiovascular phenotype. Identifiers: MedGen CN230736.

Submissions (2):

Labcorp Genetics (formerly Invitae), Labcorp
Classification: Uncertain significance. Last evaluated: 2024-09-16. Review status: criteria provided, single submitter. Criteria: Invitae Variant Classification Sherloc (09022015). Collection method: clinical testing. Allele origin: germline.
Comment: This sequence change replaces leucine, which is neutral and non-polar, with arginine, which is basic and polar, at codon 555 of the LZTR1 protein (p.Leu555Arg). This variant is not present in population databases (gnomAD no frequency). This variant has not been reported in the literature in individuals affected with LZTR1-related conditions. Invitae Evidence Modeling of protein sequence and biophysical properties (such as structural, functional, and spatial information, amino acid conservation, physicochemical variation, residue mobility, and thermodynamic stability) indicates that this missense variant is not expected to disrupt LZTR1 protein function with a negative predictive value of 80%. In summary, the available evidence is currently insufficient to determine the role of this variant in disease. Therefore, it has been classified as a Variant of Uncertain Significance.

Ambry Genetics
Classification: Uncertain significance for Cardiovascular phenotype; Hereditary cancer-predisposing syndrome. Last evaluated: 2023-07-13. Review status: criteria provided, single submitter. Criteria: Ambry Variant Classification Scheme 2023. Collection method: clinical testing. Allele origin: germline.
Comment: The p.L555R variant (also known as c.1664T>G), located in coding exon 15 of the LZTR1 gene, results from a T to G substitution at nucleotide position 1664. The leucine at codon 555 is replaced by arginine, an amino acid with dissimilar properties. This amino acid position is conserved. In addition, this alteration is predicted to be deleterious by in silico analysis. Since supporting evidence is limited at this time, the clinical significance of this alteration remains unclear.

NM_006767.4(LZTR1):c.1664T>G (p.Leu555Arg)

Gene: LZTR1 (leucine zipper like post translational regulator 1; plus strand). Cytogenetic location: 22q11.21.
Variant type: single nucleotide variant.
Coding change: c.1664T>G on transcript NM_006767.4 (MANE Select); coding-DNA position 1664, T replaced by G.
Protein change: p.Leu555Arg; replaces leucine 555 with arginine.
Molecular consequence: missense variant.
Genome position (GRCh38, 1-based): chr22:20,994,606, T>G. VCF-style: chr22-20994606-T-G. GRCh37 (hg19) VCF-style: chr22-21348895-T-G.
Other names: short protein forms L555R.
Identifiers: ClinVar variation 3238120 (VCV003238120.3), dbSNP rs2518621724.